The following is an entry in ClinVar:

ClinVar aggregate classification (germline): Likely pathogenic (1 of 4 stars; one submission).

Conditions:
Cornelia de Lange syndrome 1 (CDLS1). Also called: TYPUS DEGENERATIVUS AMSTELODAMENSIS; NIPBL-Related Cornelia de Lange Syndrome; Brachmann de Lange syndrome. Identifiers: Orphanet 199, MedGen C4551851, MONDO:0007387, OMIM 122470.

Submission:

Labcorp Genetics (formerly Invitae), Labcorp
Classification: Likely pathogenic for Cornelia de Lange syndrome 1. Last evaluated: 2022-04-12. Review status: criteria provided, single submitter. Criteria: Invitae Variant Classification Sherloc (09022015). Collection method: clinical testing. Allele origin: germline.
Comment: This sequence change affects a donor splice site in intron 42 of the NIPBL gene. It is expected to disrupt RNA splicing. Variants that disrupt the donor or acceptor splice site typically lead to a loss of protein function (PMID: 16199547), and loss-of-function variants in NIPBL are known to be pathogenic (PMID: 15318302, 19763162, 23505322, 29995837). This variant has not been reported in the literature in individuals affected with NIPBL-related conditions. This variant is not present in population databases (gnomAD no frequency). Algorithms developed to predict the effect of sequence changes on RNA splicing suggest that this variant may disrupt the consensus splice site. In summary, the currently available evidence indicates that the variant is pathogenic, but additional data are needed to prove that conclusively. Therefore, this variant has been classified as Likely Pathogenic.

Literature cited by the submitters: PubMed 16199547; PubMed 15318302; PubMed 19763162; PubMed 23505322; PubMed 29995837.

NM_133433.4(NIPBL):c.7263+1G>A

Gene: NIPBL (NIPBL cohesin loading factor; plus strand). Cytogenetic location: 5p13.2.
Variant type: single nucleotide variant.
Coding change: c.7263+1G>A on transcript NM_133433.4 (MANE Select); the canonical splice donor site of the intron after coding-DNA position 7263, G replaced by A.
Molecular consequence: splice donor variant.
Genome position (GRCh38, 1-based): chr5:37,052,567, G>A. VCF-style: chr5-37052567-G-A. GRCh37 (hg19) VCF-style: chr5-37052669-G-A.
Other names: c.7263+1G>A (NM_015384.5).
Identifiers: ClinVar variation 2189728 (VCV002189728.4), dbSNP rs2478659391, ClinGen allele CA359512122.
Genomic context (GRCh38, chr5:37,052,567, plus strand): 5'-AACCGCCAACACAGACGAGCCTTTCTTATTTCTTTACTCAACCTCTTTGATGACACAGCA[G>A]TAAGCACAAAAACTTATTATTTTAAGAAAATAAGTGCTCTAGAAATTTTATGGATAAAGT-3'